The following is an entry in ClinVar:

NM_015506.3(MMACHC):c.429+2T>A

Gene: MMACHC (metabolism of cobalamin associated C; plus strand). Cytogenetic location: 1p34.1.
Variant type: single nucleotide variant.
Coding change: c.429+2T>A on transcript NM_015506.3 (MANE Select); the canonical splice donor site of the intron after coding-DNA position 429, T replaced by A.
Molecular consequence: splice donor variant.
Genome position (GRCh38, 1-based): chr1:45,508,366, T>A. VCF-style: chr1-45508366-T-A. GRCh37 (hg19) VCF-style: chr1-45974038-T-A.
Other names: c.258+2T>A (NM_001330540.2).
Identifiers: ClinVar variation 4815870 (VCV004815870.1).
Genomic context (GRCh38, chr1:45,508,366, plus strand): 5'-CTGGGGCTGCTTACTACTACCAACGACAAGATGTGGAGGCTGACCCATGGGGGAACCAGG[T>A]GAGAGGGAAAATGTAAATAGAGGCTGAGATAGACTGGTAAAGGCCTCTCCCTACCAGGTC-3'

ClinVar aggregate classification (germline): Likely pathogenic (1 of 4 stars; one submission).

Conditions:
Cobalamin C disease. Also called: Cobalamin-C methylmalonic acidemia and homocystinuria; Methylmalonic acidemia and homocystinuria cblC type; Methylmalonic aciduria with homocystinuria cblC type; Methylmalonic aciduria and homocystinuria, Vitamin B12-responsive; Vitamin B12 metabolic defect with combined deficiency of methylmalonyl-CoA mutase and homocysteine:methyltetrahydrofolate methyltransferase; methylmalonic aciduria and homocystinuria type cblC. Identifiers: Orphanet 26, Orphanet 79282, MedGen C1848561, MONDO:0010184, OMIM 277400.

Submission:

Natera, Inc.
Classification: Likely pathogenic for Methylmalonic aciduria and homocystinuria cblC type. Last evaluated: 2024-04-10. Review status: criteria provided, single submitter. Criteria: Natera Variant Classification Schema (03/2026). Collection method: clinical testing. Allele origin: germline.
Comment: The c.429+2T>A variant in MMACHC is a canonical splice donor site variant predicted to affect pre-mRNA splicing, which may result in an abnormal transcript and altered protein product. This variant is expected to result in nonsense mediated decay, truncation, or a dysfunctional protein product. This variant is rare in the general population with a frequency below the threshold expected for the associated phenotype(s). Given the available evidence, this variant is classified as Likely Pathogenic.